The following is an entry in ClinVar:

NM_000094.4(COL7A1):c.1346G>A (p.Arg449Gln)

Gene: COL7A1 (collagen type VII alpha 1 chain; minus strand). Cytogenetic location: 3p21.31.
Variant type: single nucleotide variant.
Coding change: c.1346G>A on transcript NM_000094.4 (MANE Select); coding-DNA position 1346, G replaced by A.
Protein change: p.Arg449Gln; replaces arginine 449 with glutamine.
Molecular consequence: missense variant.
Genome position (GRCh38, 1-based): chr3:48,591,909, C>T on the plus strand (G>A on the coding strand, the complement: COL7A1 is on the minus strand). VCF-style: chr3-48591909-C-T. GRCh37 (hg19) VCF-style: chr3-48629342-C-T.
Other names: short protein forms R449Q.
Identifiers: ClinVar variation 1442874 (VCV001442874.6), dbSNP rs764504901, ClinGen allele CA2381246.

ClinVar aggregate classification (germline): Uncertain significance (1 of 4 stars; one submission).

Allele frequency attached by ClinVar (database versions not stated): TOPMed 0.00002; gnomAD 0.00001.
gnomAD v4.1: 16 of 1,614,068 alleles (0.00099%); highest among the groups gnomAD compares: Middle Eastern, 0.016%; no homozygotes.

Submission:

Labcorp Genetics (formerly Invitae), Labcorp
Classification: Uncertain significance. Last evaluated: 2024-12-18. Review status: criteria provided, single submitter. Criteria: Invitae Variant Classification Sherloc (09022015). Collection method: clinical testing. Allele origin: germline.
Comment: This sequence change replaces arginine, which is basic and polar, with glutamine, which is neutral and polar, at codon 449 of the COL7A1 protein (p.Arg449Gln). This variant is present in population databases (rs764504901, gnomAD 0.007%). This variant has not been reported in the literature in individuals affected with COL7A1-related conditions. ClinVar contains an entry for this variant (Variation ID: 1442874). Invitae Evidence Modeling of protein sequence and biophysical properties (such as structural, functional, and spatial information, amino acid conservation, physicochemical variation, residue mobility, and thermodynamic stability) indicates that this missense variant is not expected to disrupt COL7A1 protein function with a negative predictive value of 95%. In summary, the available evidence is currently insufficient to determine the role of this variant in disease. Therefore, it has been classified as a Variant of Uncertain Significance.